The following is an entry in ClinVar:

ClinVar aggregate classification (germline): Uncertain significance. Review status: criteria provided, multiple submitters, no conflicts (2 of 4 stars). 3 submissions from 3 submitters: Uncertain significance (3). Last evaluated 2025-12-30.

Conditions:
Hereditary spastic paraplegia 3A (SPG3A). Also called: SPASTIC PARAPLEGIA 3, AUTOSOMAL DOMINANT; FAMILIAL SPASTIC PARAPLEGIA, AUTOSOMAL DOMINANT, 1; SPG3; STRUMPELL DISEASE; Spastic Paraplegia 3A; Spastic paraplegia 3A, autosomal dominant. Identifiers: Orphanet 100984, MedGen C2931355, MONDO:0008437, OMIM 182600.
Inborn genetic diseases. Identifiers: MedGen C0950123, MeSH D030342.

Allele frequency attached by ClinVar (database versions not stated): gnomAD exomes below 0.00001; TOPMed below 0.00001; gnomAD 0.00001.
gnomAD v4.1: 3 of 1,614,024 alleles (0.00019%); highest among the groups gnomAD compares: Non-Finnish European, 0.00025%; no homozygotes.

Submissions (3):

Ambry Genetics
Classification: Uncertain significance for Inborn genetic diseases. Last evaluated: 2025-12-30. Review status: criteria provided, single submitter. Criteria: Ambry Variant Classification Scheme 2023. Collection method: clinical testing. Allele origin: germline.

UAEU Genomics Laboratory, United Arab Emirates University
Classification: Uncertain significance for Hereditary spastic paraplegia 3A. Last evaluated: 2024-09-06. Review status: criteria provided, single submitter. Criteria: ACMG Guidelines, 2015. Collection method: research. Allele origin: unknown. Affected: yes. Observed: 1 variant allele.
Comment: PM2, PM1, PP2

Labcorp Genetics (formerly Invitae), Labcorp
Classification: Uncertain significance for Hereditary spastic paraplegia 3A. Last evaluated: 2024-09-04. Review status: criteria provided, single submitter. Criteria: Invitae Variant Classification Sherloc (09022015). Collection method: clinical testing. Allele origin: germline.
Comment: This sequence change replaces aspartic acid, which is acidic and polar, with asparagine, which is neutral and polar, at codon 437 of the ATL1 protein (p.Asp437Asn). This variant is present in population databases (no rsID available, gnomAD 0.0009%). This variant has not been reported in the literature in individuals affected with ATL1-related conditions. ClinVar contains an entry for this variant (Variation ID: 2161914). Invitae Evidence Modeling of protein sequence and biophysical properties (such as structural, functional, and spatial information, amino acid conservation, physicochemical variation, residue mobility, and thermodynamic stability) indicates that this missense variant is not expected to disrupt ATL1 protein function with a negative predictive value of 80%. In summary, the available evidence is currently insufficient to determine the role of this variant in disease. Therefore, it has been classified as a Variant of Uncertain Significance.

NM_015915.5(ATL1):c.1309G>A (p.Asp437Asn)

Gene: ATL1 (atlastin GTPase 1; plus strand). Cytogenetic location: 14q22.1.
Variant type: single nucleotide variant.
Coding change: c.1309G>A on transcript NM_015915.5 (MANE Select); coding-DNA position 1309, G replaced by A.
Protein change: p.Asp437Asn; replaces aspartic acid 437 with asparagine.
Molecular consequence: missense variant.
Genome position (GRCh38, 1-based): chr14:50,628,220, G>A. VCF-style: chr14-50628220-G-A. GRCh37 (hg19) VCF-style: chr14-51094938-G-A.
Other names: c.1309G>A, p.Asp437Asn (NM_001127713.1, NM_181598.4); short protein forms D437N.
Identifiers: ClinVar variation 2161914 (VCV002161914.6), dbSNP rs1269848425, ClinGen allele CA389676004.